The following is an entry in ClinVar:

ClinVar aggregate classification (germline): Uncertain significance (1 of 4 stars; one submission).

Conditions:
Syndromic multisystem autoimmune disease due to ITCH deficiency. Also called: AUTOIMMUNE DISEASE, MULTISYSTEM, WITH FACIAL DYSMORPHISM. Identifiers: Orphanet 228426, MedGen C3150649, MONDO:0013245, OMIM 613385.

Allele frequency attached by ClinVar (database versions not stated): ExAC 0.00001; gnomAD exomes 0.00001; gnomAD 0.00002; TOPMed 0.00002.
gnomAD v4.1: 12 of 1,613,842 alleles (0.00074%); highest among the groups gnomAD compares: African/African-American, 0.008%; no homozygotes.

Submission:

Labcorp Genetics (formerly Invitae), Labcorp
Classification: Uncertain significance for Syndromic multisystem autoimmune disease due to ITCH deficiency. Last evaluated: 2021-12-16. Review status: criteria provided, single submitter. Criteria: Invitae Variant Classification Sherloc (09022015). Collection method: clinical testing. Allele origin: germline.
Comment: This sequence change replaces alanine, which is neutral and non-polar, with threonine, which is neutral and polar, at codon 586 of the ITCH protein (p.Ala586Thr). This variant is present in population databases (rs753429065, gnomAD 0.01%). In summary, the available evidence is currently insufficient to determine the role of this variant in disease. Therefore, it has been classified as a Variant of Uncertain Significance. Algorithms developed to predict the effect of missense changes on protein structure and function are either unavailable or do not agree on the potential impact of this missense change (SIFT: "Not Available"; PolyPhen-2: "Probably Damaging"; Align-GVGD: "Not Available"). ClinVar contains an entry for this variant (Variation ID: 999066). This variant has not been reported in the literature in individuals affected with ITCH-related conditions.

NM_031483.7(ITCH):c.1756G>A (p.Ala586Thr)

Gene: ITCH (itchy E3 ubiquitin protein ligase; plus strand). Cytogenetic location: 20q11.22.
Variant type: single nucleotide variant.
Coding change: c.1756G>A on transcript NM_031483.7 (MANE Select); coding-DNA position 1756, G replaced by A.
Protein change: p.Ala586Thr; replaces alanine 586 with threonine.
Molecular consequence: missense variant.
Genome position (GRCh38, 1-based): chr20:34,479,727, G>A. VCF-style: chr20-34479727-G-A. GRCh37 (hg19) VCF-style: chr20-33067532-G-A.
Other names: c.1879G>A, p.Ala627Thr (NM_001257137.3, NM_001324197.2); c.1426G>A, p.Ala476Thr (NM_001257138.3); c.1756G>A, p.Ala586Thr (NM_001324198.2); short protein forms A476T, A586T, A627T.
Identifiers: ClinVar variation 999066 (VCV000999066.4), dbSNP rs753429065, ClinGen allele CA9821797.